The following is an entry in ClinVar:

NM_005045.4(RELN):c.8066C>G (p.Ala2689Gly)

Gene: RELN (reelin; minus strand). Cytogenetic location: 7q22.1.
Variant type: single nucleotide variant.
Coding change: c.8066C>G on transcript NM_005045.4 (MANE Select); coding-DNA position 8066, C replaced by G.
Protein change: p.Ala2689Gly; replaces alanine 2689 with glycine.
Molecular consequence: missense variant.
Genome position (GRCh38, 1-based): chr7:103,515,238, G>C on the plus strand (C>G on the coding strand, the complement: RELN is on the minus strand). VCF-style: chr7-103515238-G-C. GRCh37 (hg19) VCF-style: chr7-103155685-G-C.
Other names: c.8066C>G, p.Ala2689Gly (NM_173054.3); short protein forms A2689G.
Identifiers: ClinVar variation 4795059 (VCV004795059.1).
Genomic context (GRCh38, chr7:103,515,238, plus strand): 5'-AATTTACCTGAAGTTTTGTCTTCCATAAACATGTCAAAGGCGATCCTCCCGACAGGGCCG[G>C]CATCTGCAGGGGAGCGCTCATGCTGGGGTACTGGGGCGCTGCTGAAGGTGTCCAGCATAA-3'
Protein context (NP_005036.2, residues 2679-2699): VPQHERSPAD[Ala2689Gly]GPVGRIAFDM

ClinVar aggregate classification (germline): Uncertain significance (1 of 4 stars; one submission).

Conditions:
Norman-Roberts syndrome (LIS2). Also called: Lissencephaly 2 (Norman-Roberts type). Identifiers: Orphanet 89844, MedGen C0796089, MONDO:0009760, OMIM 257320.
Familial temporal lobe epilepsy 7. Identifiers: Orphanet 101046, MedGen C4225327, MONDO:0014639, OMIM 616436.

gnomAD v4.1: 4 of 1,614,072 alleles (0.00025%); highest among the groups gnomAD compares: Admixed American, 0.005%; no homozygotes.

Submission:

Labcorp Genetics (formerly Invitae), Labcorp
Classification: Uncertain significance for Familial temporal lobe epilepsy 7; Norman-Roberts syndrome. Last evaluated: 2025-05-14. Review status: criteria provided, single submitter. Criteria: Invitae Variant Classification Sherloc (09022015). Collection method: clinical testing. Allele origin: germline.
Comment: This sequence change replaces alanine, which is neutral and non-polar, with glycine, which is neutral and non-polar, at codon 2689 of the RELN protein (p.Ala2689Gly). This variant is present in population databases (rs762107181, gnomAD 0.009%). This variant has not been reported in the literature in individuals affected with RELN-related conditions. Invitae Evidence Modeling of protein sequence and biophysical properties (such as structural, functional, and spatial information, amino acid conservation, physicochemical variation, residue mobility, and thermodynamic stability) indicates that this missense variant is not expected to disrupt RELN protein function with a negative predictive value of 80%. In summary, the available evidence is currently insufficient to determine the role of this variant in disease. Therefore, it has been classified as a Variant of Uncertain Significance.